The following is an entry in ClinVar:

ClinVar aggregate classification (germline): Uncertain significance (1 of 4 stars; one submission).

Submission:

Dasa
Classification: Uncertain significance. Last evaluated: 2025-04-08. Review status: criteria provided, single submitter. Criteria: DASA Assertion Criteria. Collection method: clinical testing. Allele origin: germline.
Comment: NM_057175.5(NAA15):c.1069C>T (p.Arg357Trp) is a missense variant that results in the substitution of arginine with tryptophan. This variant is rare in population databases. Computational prediction algorithms are consistent with a benign effect. The currently available literature and clinical evidence are not sufficient to establish a definitive association between this variant and the reported condition. Therefore, this variant is classified as a variant of uncertain significance.

NM_057175.5(NAA15):c.1069C>T (p.Arg357Trp)

Gene: NAA15 (N-alpha-acetyltransferase 15, NatA auxiliary subunit; plus strand). Cytogenetic location: 4q31.1.
Variant type: single nucleotide variant.
Coding change: c.1069C>T on transcript NM_057175.5 (MANE Select); coding-DNA position 1069, C replaced by T.
Protein change: p.Arg357Trp; replaces arginine 357 with tryptophan.
Molecular consequence: missense variant.
Genome position (GRCh38, 1-based): chr4:139,354,080, C>T. VCF-style: chr4-139354080-C-T. GRCh37 (hg19) VCF-style: chr4-140275234-C-T.
Other names: c.1069C>T, p.Arg357Trp (NM_001410842.1); short protein forms R357W.
Identifiers: ClinVar variation 4880978 (VCV004880978.2).